The following is an entry in ClinVar:

ClinVar aggregate classification (germline): Uncertain significance (1 of 4 stars; one submission).

Conditions:
Duchenne muscular dystrophy (DMD). Also called: MUSCULAR DYSTROPHY, PSEUDOHYPERTROPHIC PROGRESSIVE, DUCHENNE TYPE; Duchenne Muscular Dystrophy (DMD). Identifiers: Orphanet 98896, MedGen C0013264, MONDO:0010679, OMIM 310200.

Submission:

Labcorp Genetics (formerly Invitae), Labcorp
Classification: Uncertain significance for Duchenne muscular dystrophy. Last evaluated: 2023-04-26. Review status: criteria provided, single submitter. Criteria: Invitae Variant Classification Sherloc (09022015). Collection method: clinical testing. Allele origin: germline.
Comment: Advanced modeling of protein sequence and biophysical properties (such as structural, functional, and spatial information, amino acid conservation, physicochemical variation, residue mobility, and thermodynamic stability) performed at Invitae indicates that this missense variant is not expected to disrupt DMD protein function. This sequence change replaces histidine, which is basic and polar, with glutamine, which is neutral and polar, at codon 1170 of the DMD protein (p.His1170Gln). This variant is not present in population databases (gnomAD no frequency). This variant has not been reported in the literature in individuals affected with DMD-related conditions. In summary, the available evidence is currently insufficient to determine the role of this variant in disease. Therefore, it has been classified as a Variant of Uncertain Significance.

NM_004006.3(DMD):c.3510C>G (p.His1170Gln)

Gene: DMD (dystrophin; minus strand). Cytogenetic location: Xp21.1.
Variant type: single nucleotide variant.
Coding change: c.3510C>G on transcript NM_004006.3 (MANE Select); coding-DNA position 3510, C replaced by G.
Protein change: p.His1170Gln; replaces histidine 1170 with glutamine.
Molecular consequence: missense variant.
Genome position (GRCh38, 1-based): chrX:32,454,755, G>C on the plus strand (C>G on the coding strand, the complement: DMD is on the minus strand). VCF-style: chrX-32454755-G-C. GRCh37 (hg19) VCF-style: chrX-32472872-G-C.
Other names: c.3486C>G, p.His1162Gln (NM_000109.4); c.3498C>G, p.His1166Gln (NM_004009.3); c.3141C>G, p.His1047Gln (NM_004010.3); short protein forms H1162Q, H1170Q, H1166Q, H1047Q.
Identifiers: ClinVar variation 2859316 (VCV002859316.3), dbSNP rs138945423, ClinGen allele CA412663241.